The following is an entry in ClinVar:

ClinVar aggregate classification (germline): Pathogenic/Likely pathogenic. Review status: criteria provided, multiple submitters, no conflicts (2 of 4 stars). 6 submissions from 6 submitters: Pathogenic (2); Likely pathogenic (3). 1 of the submissions does not count toward it. Last evaluated 2026-01-25.

Conditions:
USH1C-related disorder. Also called: USH1C-related condition.
Usher syndrome type 1C. Also called: USHER SYNDROME, TYPE I, ACADIAN VARIETY. Identifiers: Orphanet 231169, Orphanet 886, MedGen C1848604, MONDO:0010171, OMIM 276904.
Autosomal recessive nonsyndromic hearing loss 18A. Also called: Deafness, autosomal recessive 18A; DEAFNESS, AUTOSOMAL RECESSIVE 18. Identifiers: Orphanet 90636, MedGen C1865870, MONDO:0011192, OMIM 602092.

Allele frequency attached by ClinVar (database versions not stated): gnomAD exomes below 0.00001 and 0.00001; ExAC 0.00001; gnomAD 0.00001; TOPMed 0.00002; ESP Exome Variant Server 0.00008.

Submissions (6):

Natera, Inc.
Classification: Likely pathogenic for Usher syndrome type 1C. Last evaluated: 2026-01-25. Review status: criteria provided, single submitter. Criteria: Natera Variant Classification Schema (03/2026). Collection method: clinical testing. Allele origin: germline.
Comment: The c.1426dupA variant in USH1C is a frameshift variant predicted to shift the reading frame beginning at codon 476 and leads to a stop codon 11 codons downstream. This variant is expected to result in nonsense mediated decay, truncation, or a dysfunctional protein product. This variant is rare in the general population with a frequency below the threshold expected for the associated phenotype(s). Given the available evidence, this variant is classified as Likely Pathogenic.

PreventionGenetics, part of Exact Sciences
Classification: Pathogenic for USH1C-related condition. Last evaluated: 2025-02-28. Review status: criteria provided, single submitter. Criteria: ACMG Guidelines, 2015. Collection method: clinical testing. Allele origin: germline.
Comment: The USH1C c.2326dupA variant is predicted to result in a frameshift and premature protein termination (p.Ile776Asnfs*11). To our knowledge, this variant has not been reported in the literature. This variant is reported in 0.00088% of alleles in individuals of European (Non-Finnish) descent in gnomAD. Frameshift variants in USH1C are expected to be pathogenic. This variant is interpreted as pathogenic.

Labcorp Genetics (formerly Invitae), Labcorp
Classification: Pathogenic. Last evaluated: 2024-06-28. Review status: criteria provided, single submitter. Criteria: Invitae Variant Classification Sherloc (09022015). Collection method: clinical testing. Allele origin: germline.
Comment: This sequence change creates a premature translational stop signal (p.Ile476Asnfs*11) in the USH1C gene. It is expected to result in an absent or disrupted protein product. Loss-of-function variants in USH1C are known to be pathogenic (PMID: 10973247, 17407589, 20301442, 21203349). This variant is present in population databases (rs758555088, gnomAD 0.002%). This variant has not been reported in the literature in individuals affected with USH1C-related conditions. ClinVar contains an entry for this variant (Variation ID: 555137). Algorithms developed to predict the effect of sequence changes on RNA splicing suggest that this variant may disrupt the consensus splice site. For these reasons, this variant has been classified as Pathogenic.

Baylor Genetics
Classification: Likely pathogenic for Autosomal recessive nonsyndromic hearing loss 18A. Last evaluated: 2023-12-21. Review status: criteria provided, single submitter. Criteria: ACMG Guidelines, 2015. Collection method: clinical testing. Allele origin: unknown.

Blueprint Genetics
Classification: Likely pathogenic for USH1C-related disorders. Last evaluated: 2022-12-13. Review status: criteria provided, single submitter. Criteria: ACMG Guidelines, 2015. Collection method: clinical testing. Allele origin: germline. Affected: yes. Observed: 2 variant alleles.

Counsyl
Classification: Likely pathogenic for Usher syndrome type 1C; Autosomal recessive nonsyndromic hearing loss 18A. Last evaluated: 2017-11-17. Review status: no assertion criteria provided. Collection method: clinical testing. Allele origin: unknown. Not counted in ClinVar's aggregate classification.

Literature cited by the submitters: PubMed 10973247 (cited by Labcorp Genetics (formerly Invitae), Labcorp); PubMed 17407589 (cited by Labcorp Genetics (formerly Invitae), Labcorp); PubMed 20301442 (cited by Labcorp Genetics (formerly Invitae), Labcorp); PubMed 21203349 (cited by Labcorp Genetics (formerly Invitae), Labcorp).

NM_153676.4(USH1C):c.2326dup (p.Ile776fs)

Gene: USH1C (USH1 protein network component harmonin; minus strand). Cytogenetic location: 11p15.1.
Variant type: Duplication.
Coding change: c.2326dup on transcript NM_153676.4 (MANE Select); coding-DNA position 2326, one base duplicated (A; older notation c.2326dupA).
Protein change: p.Ile776fs; shifts the reading frame from isoleucine 776.
Molecular consequence: frameshift variant. On other transcripts: non-coding transcript variant (1).
Genome position (GRCh38, 1-based): chr11:17,501,105, T duplicated on the plus strand (A on the coding strand, the reverse complement: USH1C is on the minus strand). VCF-style (leftmost placement, unchanged base first): chr11-17501104-A-AT. GRCh37 (hg19) VCF-style: chr11-17522651-A-AT.
Other names: c.2326dupA (NM_153676.3); c.1369dup, p.Ile457fs (NM_001297764.2); c.1426dup, p.Ile476fs (NM_005709.4); c.1426dupA (NM_005709.3); short protein forms I457fs, I776fs, I476fs.
Identifiers: ClinVar variation 555137 (VCV000555137.15), dbSNP rs758555088, ClinGen allele CA5904213.